The following is an entry in ClinVar:

ClinVar aggregate classification (germline): Uncertain significance (1 of 4 stars; one submission).

Conditions:
Atransferrinemia. Also called: Familial hypotransferrinemia. Identifiers: Orphanet 1195, MedGen C0521802, MONDO:0008846, OMIM 209300, HP:0012239.

Submission:

Myriad Genetics, Inc.
Classification: Uncertain significance for Atransferrinemia. Last evaluated: 2025-09-08. Review status: criteria provided, single submitter. Criteria: Myriad Autosomal Dominant, Autosomal Recessive and X-Linked Classification Criteria (2023). Collection method: clinical testing. Allele origin: unknown.
Comment: NM_001063.3(TF):c.382A>C(M128L) is a missense variant classified as a variant of uncertain significance in the context of atransferrinemia. M128L has not been observed in cases with relevant disease. Relevant functional assessments of this variant are not available in the literature. M128L has not been observed in referenced population frequency databases. In summary, there is insufficient evidence to classify NM_001063.3(TF):c.382A>C(M128L) as pathogenic or benign. Please note: this variant was assessed in the context of healthy population screening.

NM_001063.4(TF):c.382A>C (p.Met128Leu)

Gene: TF (transferrin; plus strand). Cytogenetic location: 3q22.1.
Variant type: single nucleotide variant.
Coding change: c.382A>C on transcript NM_001063.4 (MANE Select); coding-DNA position 382, A replaced by C.
Protein change: p.Met128Leu; replaces methionine 128 with leucine.
Molecular consequence: missense variant. On other transcripts: initiator codon variant (1).
Genome position (GRCh38, 1-based): chr3:133,754,551, A>C. VCF-style: chr3-133754551-A-C. GRCh37 (hg19) VCF-style: chr3-133473395-A-C.
Other names: c.250A>C, p.Met84Leu (NM_001354703.2); c.1A>C, p.Met1Leu (NM_001354704.2); short protein forms M84L, M128L, M1L.
Identifiers: ClinVar variation 5004007 (VCV005004007.1).
Genomic context (GRCh38, chr3:133,754,551, plus strand): 5'-GCAGATCCACAGACTTTCTATTATGCTGTTGCTGTGGTGAAGAAGGATAGTGGCTTCCAG[A>C]TGAACCAGCTTCGAGGCAAGAAGTCCTGCCACACGGGTCTAGGCAGGTCCGCTGGGTGGA-3'
Protein context (NP_001054.2, residues 118-138): AVVKKDSGFQ[Met128Leu]NQLRGKKSCH